The following is an entry in ClinVar:

NM_000038.6(APC):c.2326A>G (p.Ile776Val)

Gene: APC (APC regulator of Wnt signaling pathway; plus strand). Cytogenetic location: 5q22.2.
Variant type: single nucleotide variant.
Coding change: c.2326A>G on transcript NM_000038.6 (MANE Select); coding-DNA position 2326, A replaced by G.
Protein change: p.Ile776Val; replaces isoleucine 776 with valine.
Molecular consequence: missense variant.
Genome position (GRCh38, 1-based): chr5:112,837,920, A>G. VCF-style: chr5-112837920-A-G. GRCh37 (hg19) VCF-style: chr5-112173617-A-G.
Other names: c.2326A>G, p.Ile776Val (NM_001354895.2, NM_001127510.3, NM_001407450.1); c.2380A>G, p.Ile794Val (NM_001354896.2, NM_001407447.1, NM_001407448.1 and 1 more transcripts); c.2356A>G, p.Ile786Val (NM_001354897.2); c.2251A>G, p.Ile751Val (NM_001354898.2); c.2242A>G, p.Ile748Val (NM_001354899.2); c.2203A>G, p.Ile735Val (NM_001354900.2); c.2149A>G, p.Ile717Val (NM_001354901.2, NM_001407453.1); c.2053A>G, p.Ile685Val (NM_001354902.2); and 12 more; short protein forms I493V, I647V, I735V, I758V, I776V, I392V, I616V, I675V.
Identifiers: ClinVar variation 2061759 (VCV002061759.6), dbSNP rs2533412380, ClinGen allele CA16026434.

ClinVar aggregate classification (germline): Uncertain significance. Review status: criteria provided, multiple submitters, no conflicts (2 of 4 stars). 3 submissions from 3 submitters: Uncertain significance (3). Last evaluated 2026-07-02.

Conditions:
Familial adenomatous polyposis 1 (FAP1). Also called: FAMILIAL ADENOMATOUS POLYPOSIS 1, ATTENUATED; POLYPOSIS, ADENOMATOUS INTESTINAL. Identifiers: MedGen C2713442, MONDO:0021056, OMIM 175100. Disease mechanism: loss of function.
Hereditary cancer-predisposing syndrome. Also called: Tumor predisposition; Hereditary Cancer Syndrome; Hereditary neoplastic syndrome; Neoplastic Syndromes, Hereditary. Identifiers: Orphanet 140162, MedGen C0027672, MeSH D009386, MONDO:0015356.

Submissions (3):

Ambry Genetics
Classification: Uncertain significance for Hereditary cancer-predisposing syndrome. Last evaluated: 2026-07-02. Review status: criteria provided, single submitter. Criteria: Ambry Variant Classification Scheme 2023. Collection method: clinical testing. Allele origin: germline.
Comment: The p.I776V variant (also known as c.2326A>G), located in coding exon 15 of the APC gene, results from an A to G substitution at nucleotide position 2326. The isoleucine at codon 776 is replaced by valine, an amino acid with highly similar properties. This amino acid position is conserved. In addition, in silico predictors for this gene do not accurately predict pathogenicity. Based on the available evidence, the clinical significance of this variant remains unclear.

Labcorp Genetics (formerly Invitae), Labcorp
Classification: Uncertain significance for Familial adenomatous polyposis 1. Last evaluated: 2023-09-22. Review status: criteria provided, single submitter. Criteria: Invitae Variant Classification Sherloc (09022015). Collection method: clinical testing. Allele origin: germline.
Comment: In summary, the available evidence is currently insufficient to determine the role of this variant in disease. Therefore, it has been classified as a Variant of Uncertain Significance. Advanced modeling of protein sequence and biophysical properties (such as structural, functional, and spatial information, amino acid conservation, physicochemical variation, residue mobility, and thermodynamic stability) performed at Invitae indicates that this missense variant is not expected to disrupt APC protein function. ClinVar contains an entry for this variant (Variation ID: 2061759). This variant has not been reported in the literature in individuals affected with APC-related conditions. This variant is not present in population databases (gnomAD no frequency). This sequence change replaces isoleucine, which is neutral and non-polar, with valine, which is neutral and non-polar, at codon 776 of the APC protein (p.Ile776Val).

GeneDx
Classification: Uncertain significance. Last evaluated: 2023-02-16. Review status: criteria provided, single submitter. Criteria: GeneDx Variant Classification Process June 2021. Collection method: clinical testing. Allele origin: germline. Affected: yes.
Comment: Not observed at significant frequency in large population cohorts (gnomAD); In silico analysis supports that this missense variant does not alter protein structure/function; Has not been previously published as pathogenic or benign to our knowledge